The following is an entry in ClinVar:

NM_002230.4(JUP):c.*709G>C

Gene: JUP (junction plakoglobin; minus strand). Cytogenetic location: 17q21.2.
Variant type: single nucleotide variant.
Coding change: c.*709G>C on transcript NM_002230.4 (MANE Select); 709 bases downstream of the stop codon, G replaced by C.
Molecular consequence: 3 prime UTR variant.
Genome position (GRCh38, 1-based): chr17:41,755,035, C>G on the plus strand (G>C on the coding strand, the complement: JUP is on the minus strand). VCF-style: chr17-41755035-C-G. GRCh37 (hg19) VCF-style: chr17-39911287-C-G.
Other names: c.*709G>C (NM_001352773.2); c.*412G>C (NM_001352774.2, NM_001352775.2, NM_001352776.2 and 2 more transcripts).
Identifiers: ClinVar variation 323149 (VCV000323149.8), dbSNP rs56339743, ClinGen allele CA10650091.

ClinVar aggregate classification (germline): Benign/Likely benign. Review status: criteria provided, multiple submitters, no conflicts (2 of 4 stars). 4 submissions from 3 submitters: Benign (1); Likely benign (3). Last evaluated 2021-05-12.

Conditions:
Arrhythmogenic right ventricular dysplasia 12. Also called: ARRHYTHMOGENIC RIGHT VENTRICULAR DYSPLASIA, FAMILIAL, 12. Identifiers: MedGen C1969081, MONDO:0012684, OMIM 611528.
Naxos disease (NXD). Also called: KERATOSIS PALMOPLANTARIS WITH ARRHYTHMOGENIC CARDIOMYOPATHY; MAL DE NAXOS; PALMOPLANTAR KERATODERMA WITH ARRHYTHMOGENIC RIGHT VENTRICULAR CARDIOMYOPATHY AND WOOLLY HAIR; WOOLLY HAIR, PALMOPLANTAR KERATODERMA, AND CARDIAC ABNORMALITIES; CARDIOMYOPATHY, ARRHYTHMOGENIC RIGHT VENTRICULAR, WITH SKIN, HAIR, AND NAIL ABNORMALITIES. Identifiers: Orphanet 34217, MedGen C1832600, MONDO:0011017, OMIM 601214.

Allele frequency attached by ClinVar (database versions not stated): gnomAD 0.03106 and 0.03348; 1000 Genomes Project 0.03275; 1000 Genomes Project 30x 0.03310; TOPMed 0.03494.
gnomAD v4.1: 5,649 of 364,262 alleles (1.6%); highest among the groups gnomAD compares: African/African-American, 11%; 294 homozygotes.

Submissions (4):

GeneDx
Classification: Benign. Last evaluated: 2021-05-12. Review status: criteria provided, single submitter. Criteria: GeneDx Variant Classification Process June 2021. Collection method: clinical testing. Allele origin: germline. Affected: yes.

Illumina Laboratory Services, Illumina
Classification: Likely benign for Arrhythmogenic right ventricular dysplasia 12. Last evaluated: 2017-04-27. Review status: criteria provided, single submitter. Criteria: ICSL Variant Classification Criteria 13 December 2019. Collection method: clinical testing. Allele origin: germline.
Comment: This variant was observed as part of a predisposition screen in an ostensibly healthy population. A literature search was performed for the gene, cDNA change, and amino acid change (where applicable). No publications were found based on this search. Allele frequency data from public databases allowed determination this variant is unlikely to cause disease. Therefore, this variant is classified as likely benign.

Illumina Laboratory Services, Illumina
Classification: Likely benign for Naxos disease. Last evaluated: 2017-04-27. Review status: criteria provided, single submitter. Criteria: ICSL Variant Classification Criteria 13 December 2019. Collection method: clinical testing. Allele origin: germline.
Comment: the same text as in the submission from Illumina Laboratory Services, Illumina above.

Breakthrough Genomics
Classification: Likely benign. Review status: criteria provided, single submitter. Criteria: ACMG Guidelines, 2015. Collection method: not provided. Allele origin: germline. Inheritance: Autosomal recessive inheritance. Affected: yes.